The following is an entry in ClinVar:

NM_025114.4(CEP290):c.103-23C>T

Gene: CEP290 (centrosomal protein 290; minus strand). Cytogenetic location: 12q21.32.
Variant type: single nucleotide variant.
Coding change: c.103-23C>T on transcript NM_025114.4 (MANE Select); 23 bases into the intron before coding-DNA position 103, C replaced by T.
Molecular consequence: intron variant.
Genome position (GRCh38, 1-based): chr12:88,141,056, G>A on the plus strand (C>T on the coding strand, the complement: CEP290 is on the minus strand). VCF-style: chr12-88141056-G-A. GRCh37 (hg19) VCF-style: chr12-88534833-G-A.
Identifiers: ClinVar variation 3351177 (VCV003351177.1).
Genomic context (GRCh38, chr12:88,141,056, plus strand): 5'-TTTTCTTGCTTTTCACTTTTTAGCTCATTTACTTCCACCTAAGTAAACAGAAAAGCAACT[G>A]TTTTATATTTTATAACCTTCAAGCAAAATATAAGAACACTTCCAGATTGTGACAATTATA-3'

ClinVar aggregate classification (germline): Likely benign (0 of 4 stars; one submission).

Conditions:
CEP290-related disorder. Also called: CEP290-related condition; CEP290-related disorders. Identifiers: MedGen CN239314.

gnomAD v4.1: 1 of 1,532,478 alleles (0.000065%); highest among the groups gnomAD compares: Admixed American, 0.0022%; no homozygotes.

Submission:

PreventionGenetics, part of Exact Sciences
Classification: Likely benign for CEP290-related condition. Last evaluated: 2022-12-27. Review status: no assertion criteria provided. Collection method: clinical testing. Allele origin: germline.
Comment: This variant is classified as likely benign based on ACMG/AMP sequence variant interpretation guidelines (Richards et al. 2015 PMID: 25741868, with internal and published modifications).